The following is an entry in ClinVar:

ClinVar aggregate classification (germline): Likely benign. Review status: criteria provided, multiple submitters, no conflicts (2 of 4 stars). 2 submissions from 2 submitters: Likely benign (2). Last evaluated 2026-03-25.

Conditions:
PDE6A-related disorder. Also called: PDE6A-related condition.

Allele frequency attached by ClinVar (database versions not stated): ExAC 0.00001; gnomAD 0.00002; TOPMed 0.00003; gnomAD exomes 0.00004.
gnomAD v4.1: 54 of 1,613,328 alleles (0.0033%); highest among the groups gnomAD compares: Non-Finnish European, 0.0045%; no homozygotes.

Submissions (2):

PreventionGenetics, part of Exact Sciences
Classification: Likely benign for PDE6A-related condition. Last evaluated: 2026-03-25. Review status: criteria provided, single submitter. Criteria: ACMG Guidelines, 2015. Collection method: clinical testing. Allele origin: germline.
Comment: This variant is classified as likely benign based on ACMG/AMP sequence variant interpretation guidelines (Richards et al. 2015 PMID: 25741868, with internal and published modifications).

Labcorp Genetics (formerly Invitae), Labcorp
Classification: Likely benign. Last evaluated: 2023-12-15. Review status: criteria provided, single submitter. Criteria: Invitae Variant Classification Sherloc (09022015). Collection method: clinical testing. Allele origin: germline.

NM_000440.3(PDE6A):c.1815C>G (p.Gly605=)

Gene: PDE6A (phosphodiesterase 6A; minus strand). Cytogenetic location: 5q32.
Variant type: single nucleotide variant.
Coding change: c.1815C>G on transcript NM_000440.3 (MANE Select); coding-DNA position 1815, C replaced by G.
Protein change: p.Gly605=; no amino-acid change (glycine 605 retained).
Molecular consequence: synonymous variant.
Genome position (GRCh38, 1-based): chr5:149,886,288, G>C on the plus strand (C>G on the coding strand, the complement: PDE6A is on the minus strand). VCF-style: chr5-149886288-G-C. GRCh37 (hg19) VCF-style: chr5-149265851-G-C.
Other names: c.1572C>G, p.Gly524= (NM_001410788.1); c.1815C>G (NM_000440.2).
Identifiers: ClinVar variation 2975402 (VCV002975402.4), dbSNP rs770977429, ClinGen allele CA3504531.